The following is an entry in ClinVar:

ClinVar aggregate classification (germline): Likely benign (0 of 4 stars; one submission).

Conditions:
CSMD1-related disorder. Also called: CSMD1-related condition.

Allele frequency attached by ClinVar (database versions not stated): ESP Exome Variant Server 0.00119; gnomAD 0.00129; 1000 Genomes Project 0.00180; 1000 Genomes Project 30x 0.00187.
gnomAD v4.1: 381 of 1,601,016 alleles (0.024%); highest among the groups gnomAD compares: African/African-American, 0.47%; 4 homozygotes.

Submission:

PreventionGenetics, part of Exact Sciences
Classification: Likely benign for CSMD1-related condition. Last evaluated: 2022-02-15. Review status: no assertion criteria provided. Collection method: clinical testing. Allele origin: germline.
Comment: This variant is classified as likely benign based on ACMG/AMP sequence variant interpretation guidelines (Richards et al. 2015 PMID: 25741868, with internal and published modifications).

NM_033225.6(CSMD1):c.2702C>T (p.Pro901Leu)

Gene: CSMD1 (CUB and Sushi multiple domains 1; minus strand). Cytogenetic location: 8p23.2.
Variant type: single nucleotide variant.
Coding change: c.2702C>T on transcript NM_033225.6 (MANE Select); coding-DNA position 2702, C replaced by T.
Protein change: p.Pro901Leu; replaces proline 901 with leucine.
Molecular consequence: missense variant.
Genome position (GRCh38, 1-based): chr8:3,387,574, G>A on the plus strand (C>T on the coding strand, the complement: CSMD1 is on the minus strand). VCF-style: chr8-3387574-G-A. GRCh37 (hg19) VCF-style: chr8-3245096-G-A.
Other names: short protein forms P901L.
Identifiers: ClinVar variation 3049976 (VCV003049976.2), dbSNP rs114188379, ClinGen allele CA4608211.